The following is an entry in ClinVar:

NM_006031.6(PCNT):c.6888G>A (p.Pro2296=)

Gene: PCNT (pericentrin; plus strand). Cytogenetic location: 21q22.3.
Variant type: single nucleotide variant.
Coding change: c.6888G>A on transcript NM_006031.6 (MANE Select); coding-DNA position 6888, G replaced by A.
Protein change: p.Pro2296=; no amino-acid change (proline 2296 retained).
Molecular consequence: synonymous variant.
Genome position (GRCh38, 1-based): chr21:46,416,806, G>A. VCF-style: chr21-46416806-G-A. GRCh37 (hg19) VCF-style: chr21-47836720-G-A.
Other names: c.6534G>A, p.Pro2178= (NM_001315529.2).
Identifiers: ClinVar variation 436213 (VCV000436213.10), dbSNP rs532762118, ClinGen allele CA10080434.

ClinVar aggregate classification (germline): Likely benign. Review status: criteria provided, multiple submitters, no conflicts (2 of 4 stars). 3 submissions from 3 submitters: Likely benign (2). 1 of the submissions does not count toward it. Last evaluated 2024-06-20.

Conditions:
PCNT-related disorder. Also called: PCNT-related condition.

Allele frequency attached by ClinVar (database versions not stated): gnomAD exomes 0.00001 and 0.00003; TOPMed 0.00001; ExAC 0.00002.
gnomAD v4.1: 16 of 1,598,934 alleles (0.001%); highest among the groups gnomAD compares: East Asian, 0.0067%; no homozygotes.

Submissions (3):

Labcorp Genetics (formerly Invitae), Labcorp
Classification: Likely benign. Last evaluated: 2024-06-20. Review status: criteria provided, single submitter. Criteria: Invitae Variant Classification Sherloc (09022015). Collection method: clinical testing. Allele origin: germline.

Genetic Services Laboratory, University of Chicago
Classification: Likely benign. Last evaluated: 2016-12-28. Review status: criteria provided, single submitter. Criteria: ACMG Guidelines, 2015. Collection method: clinical testing. Allele origin: germline. Affected: no.

PreventionGenetics, part of Exact Sciences
Classification: Likely benign for PCNT-related condition. Last evaluated: 2022-08-31. Review status: no assertion criteria provided. Collection method: clinical testing. Allele origin: germline. Not counted in ClinVar's aggregate classification.
Comment: This variant is classified as likely benign based on ACMG/AMP sequence variant interpretation guidelines (Richards et al. 2015 PMID: 25741868, with internal and published modifications).